The following is an entry in ClinVar:

ClinVar aggregate classification (germline): Uncertain significance. Review status: criteria provided, multiple submitters, no conflicts (2 of 4 stars). 2 submissions from 2 submitters: Uncertain significance (2). Last evaluated 2024-10-16.

Conditions:
Hereditary cancer-predisposing syndrome. Also called: Tumor predisposition; Hereditary Cancer Syndrome; Hereditary neoplastic syndrome; Neoplastic Syndromes, Hereditary. Identifiers: Orphanet 140162, MedGen C0027672, MeSH D009386, MONDO:0015356.
Hereditary pheochromocytoma and paraganglioma. Also called: Hereditary paragangliomas and pheochromocytomas; Hereditary pheochromocytoma-paraganglioma; Hereditary Paraganglioma-Pheochromocytoma Syndromes. Identifiers: Orphanet 29072, MedGen C4274332, MONDO:0017366.

Submissions (2):

Labcorp Genetics (formerly Invitae), Labcorp
Classification: Uncertain significance for Hereditary pheochromocytoma and paraganglioma. Last evaluated: 2024-10-16. Review status: criteria provided, single submitter. Criteria: Invitae Variant Classification Sherloc (09022015). Collection method: clinical testing. Allele origin: germline.
Comment: This sequence change replaces cysteine, which is neutral and slightly polar, with serine, which is neutral and polar, at codon 100 of the TMEM127 protein (p.Cys100Ser). This variant is not present in population databases (gnomAD no frequency). This variant has not been reported in the literature in individuals affected with TMEM127-related conditions. ClinVar contains an entry for this variant (Variation ID: 655124). An algorithm developed to predict the effect of missense changes on protein structure and function (PolyPhen-2) suggests that this variant is likely to be disruptive. In summary, the available evidence is currently insufficient to determine the role of this variant in disease. Therefore, it has been classified as a Variant of Uncertain Significance.

Ambry Genetics
Classification: Uncertain significance for Hereditary cancer-predisposing syndrome. Last evaluated: 2023-04-08. Review status: criteria provided, single submitter. Criteria: Ambry Variant Classification Scheme 2023. Collection method: clinical testing. Allele origin: germline.
Comment: The p.C100S variant (also known as c.298T>A), located in coding exon 2 of the TMEM127 gene, results from a T to A substitution at nucleotide position 298. The cysteine at codon 100 is replaced by serine, an amino acid with dissimilar properties. This amino acid position is conserved. In addition, the in silico prediction for this alteration is inconclusive. Since supporting evidence is limited at this time, the clinical significance of this alteration remains unclear.

NM_017849.4(TMEM127):c.298T>A (p.Cys100Ser)

Gene: TMEM127 (transmembrane protein 127; minus strand). Cytogenetic location: 2q11.2.
Variant type: single nucleotide variant.
Coding change: c.298T>A on transcript NM_017849.4 (MANE Select); coding-DNA position 298, T replaced by A.
Protein change: p.Cys100Ser; replaces cysteine 100 with serine.
Molecular consequence: missense variant.
Genome position (GRCh38, 1-based): chr2:96,254,944, A>T on the plus strand (T>A on the coding strand, the complement: TMEM127 is on the minus strand). VCF-style: chr2-96254944-A-T. GRCh37 (hg19) VCF-style: chr2-96920682-A-T.
Other names: c.298T>A, p.Cys100Ser (NM_001193304.3); short protein forms C100S.
Identifiers: ClinVar variation 655124 (VCV000655124.10), dbSNP rs1573970265, ClinGen allele CA347653535.